The following is an entry in ClinVar:

ClinVar aggregate classification (germline): Uncertain significance (1 of 4 stars; one submission).

Conditions:
Kabuki syndrome. Also called: NIIKAWA-KUROKI SYNDROME; Kabuki make-up syndrome. Identifiers: Orphanet 2322, MedGen C0796004, MONDO:0016512.

Submission:

Labcorp Genetics (formerly Invitae), Labcorp
Classification: Uncertain significance for Kabuki syndrome. Last evaluated: 2025-04-09. Review status: criteria provided, single submitter. Criteria: Invitae Variant Classification Sherloc (09022015). Collection method: clinical testing. Allele origin: germline.
Comment: This sequence change replaces methionine, which is neutral and non-polar, with threonine, which is neutral and polar, at codon 5422 of the KMT2D protein (p.Met5422Thr). This variant is not present in population databases (gnomAD no frequency). This variant has not been reported in the literature in individuals affected with KMT2D-related conditions. This missense change has been observed in at least one individual who was not affected with KMT2D-related conditions (internal data). ClinVar contains an entry for this variant (Variation ID: 3635081). Invitae Evidence Modeling of protein sequence and biophysical properties (such as structural, functional, and spatial information, amino acid conservation, physicochemical variation, residue mobility, and thermodynamic stability) indicates that this missense variant is expected to disrupt KMT2D protein function with a positive predictive value of 95%. In summary, the available evidence is currently insufficient to determine the role of this variant in disease. Therefore, it has been classified as a Variant of Uncertain Significance.

NM_003482.4(KMT2D):c.16265T>C (p.Met5422Thr)

Gene: KMT2D (lysine methyltransferase 2D; minus strand). Cytogenetic location: 12q13.12.
Variant type: single nucleotide variant.
Coding change: c.16265T>C on transcript NM_003482.4 (MANE Select); coding-DNA position 16265, T replaced by C.
Protein change: p.Met5422Thr; replaces methionine 5422 with threonine.
Molecular consequence: missense variant.
Genome position (GRCh38, 1-based): chr12:49,022,663, A>G on the plus strand (T>C on the coding strand, the complement: KMT2D is on the minus strand). VCF-style: chr12-49022663-A-G. GRCh37 (hg19) VCF-style: chr12-49416446-A-G.
Other names: short protein forms M5422T.
Identifiers: ClinVar variation 3635081 (VCV003635081.2).